The following is an entry in ClinVar:

NM_004260.4(RECQL4):c.2722C>G (p.Leu908Val)

Gene: RECQL4 (RecQ like helicase 4; minus strand). Cytogenetic location: 8q24.3.
Variant type: single nucleotide variant.
Coding change: c.2722C>G on transcript NM_004260.4 (MANE Select); coding-DNA position 2722, C replaced by G.
Protein change: p.Leu908Val; replaces leucine 908 with valine.
Molecular consequence: missense variant.
Genome position (GRCh38, 1-based): chr8:144,512,880, G>C on the plus strand (C>G on the coding strand, the complement: RECQL4 is on the minus strand). VCF-style: chr8-144512880-G-C. GRCh37 (hg19) VCF-style: chr8-145738263-G-C.
Other names: c.2428C>G, p.Leu810Val (NM_001413017.1); c.2524C>G, p.Leu842Val (NM_001413018.1); c.2722C>G, p.Leu908Val (NM_001413019.1, NM_001413036.1); c.2626C>G, p.Leu876Val (NM_001413020.1); c.1651C>G, p.Leu551Val (NM_001413021.1, NM_001413022.1, NM_001413023.1 and 5 more transcripts); c.2593C>G, p.Leu865Val (NM_001413025.1); c.1585C>G, p.Leu529Val (NM_001413027.1, NM_001413041.1, NM_001413030.1 and 1 more transcripts); c.2371C>G, p.Leu791Val (NM_001413029.1); and 6 more; short protein forms L419V, L507V, L541V, L551V, L810V, L864V, L485V, L842V.
Identifiers: ClinVar variation 2013206 (VCV002013206.4), dbSNP rs2537997170, ClinGen allele CA372674992.

ClinVar aggregate classification (germline): Uncertain significance (1 of 4 stars; one submission).

Conditions:
Baller-Gerold syndrome (BGS). Also called: CRANIOSYNOSTOSIS WITH RADIAL DEFECTS. Identifiers: Orphanet 1225, MedGen C0265308, MONDO:0009039, OMIM 218600.

Allele frequency attached by ClinVar (database versions not stated): gnomAD exomes below 0.00001.
gnomAD v4.1: 1 of 1,596,860 alleles (0.000063%); highest among the groups gnomAD compares: Non-Finnish European, 0.000085%; no homozygotes.

Submission:

Labcorp Genetics (formerly Invitae), Labcorp
Classification: Uncertain significance for Baller-Gerold syndrome. Last evaluated: 2022-07-02. Review status: criteria provided, single submitter. Criteria: Invitae Variant Classification Sherloc (09022015). Collection method: clinical testing. Allele origin: germline.
Comment: This variant has not been reported in the literature in individuals affected with RECQL4-related conditions. This variant is not present in population databases (gnomAD no frequency). This sequence change replaces leucine, which is neutral and non-polar, with valine, which is neutral and non-polar, at codon 908 of the RECQL4 protein (p.Leu908Val). Algorithms developed to predict the effect of sequence changes on RNA splicing suggest that this variant may create or strengthen a splice site. In summary, the available evidence is currently insufficient to determine the role of this variant in disease. Therefore, it has been classified as a Variant of Uncertain Significance.